The following is an entry in ClinVar:

ClinVar aggregate classification (germline): Uncertain significance (1 of 4 stars; one submission).

Conditions:
TH-deficient dopa-responsive dystonia. Also called: Tyrosine Hydroxylase-Deficient Dopa-Responsive Dystonia; Segawa syndrome, autosomal recessive; DYT-TH. Identifiers: Orphanet 101150, MedGen C2673535, MONDO:0011551, OMIM 605407.

Submission:

Labcorp Genetics (formerly Invitae), Labcorp
Classification: Uncertain significance for TH-deficient dopa-responsive dystonia. Last evaluated: 2022-06-27. Review status: criteria provided, single submitter. Criteria: Invitae Variant Classification Sherloc (09022015). Collection method: clinical testing. Allele origin: germline.
Comment: In summary, the available evidence is currently insufficient to determine the role of this variant in disease. Therefore, it has been classified as a Variant of Uncertain Significance. This variant disrupts the p.Asp498 amino acid residue in TH. Other variant(s) that disrupt this residue have been determined to be pathogenic (PMID: 11160968, 15505183, 15747353, 24753243). This suggests that this residue is clinically significant, and that variants that disrupt this residue are likely to be disease-causing. Advanced modeling of protein sequence and biophysical properties (such as structural, functional, and spatial information, amino acid conservation, physicochemical variation, residue mobility, and thermodynamic stability) performed at Invitae indicates that this missense variant is not expected to disrupt TH protein function. This variant has not been reported in the literature in individuals affected with TH-related conditions. This variant is not present in population databases (gnomAD no frequency). This sequence change replaces aspartic acid, which is acidic and polar, with glutamic acid, which is acidic and polar, at codon 498 of the TH protein (p.Asp498Glu).

Literature cited by the submitters: PubMed 11160968; PubMed 15505183; PubMed 15747353; PubMed 24753243.

NM_000360.4(TH):c.1401C>A (p.Asp467Glu)

Gene: TH (tyrosine hydroxylase; minus strand). Cytogenetic location: 11p15.5.
Variant type: single nucleotide variant.
Coding change: c.1401C>A on transcript NM_000360.4 (MANE Select); coding-DNA position 1401, C replaced by A.
Protein change: p.Asp467Glu; replaces aspartic acid 467 with glutamic acid.
Molecular consequence: missense variant.
Genome position (GRCh38, 1-based): chr11:2,164,326, G>T on the plus strand (C>A on the coding strand, the complement: TH is on the minus strand). VCF-style: chr11-2164326-G-T. GRCh37 (hg19) VCF-style: chr11-2185556-G-T.
Other names: c.1494C>A, p.Asp498Glu (NM_199292.3); c.1482C>A, p.Asp494Glu (NM_199293.3); short protein forms D467E, D494E, D498E.
Identifiers: ClinVar variation 1361932 (VCV001361932.8), dbSNP rs3842724, ClinGen allele CA379124405.